The following is an entry in ClinVar:

ClinVar aggregate classification (germline): Uncertain significance (1 of 4 stars; one submission).

Submission:

Labcorp Genetics (formerly Invitae), Labcorp
Classification: Uncertain significance. Last evaluated: 2025-06-23. Review status: criteria provided, single submitter. Criteria: Invitae Variant Classification Sherloc (09022015). Collection method: clinical testing. Allele origin: germline.
Comment: This sequence change replaces serine, which is neutral and polar, with glycine, which is neutral and non-polar, at codon 221 of the NALCN protein (p.Ser221Gly). This variant is not present in population databases (gnomAD no frequency). This variant has not been reported in the literature in individuals affected with NALCN-related conditions. ClinVar contains an entry for this variant (Variation ID: 2862232). Invitae Evidence Modeling of protein sequence and biophysical properties (such as structural, functional, and spatial information, amino acid conservation, physicochemical variation, residue mobility, and thermodynamic stability) indicates that this missense variant is not expected to disrupt NALCN protein function with a negative predictive value of 80%. In summary, the available evidence is currently insufficient to determine the role of this variant in disease. Therefore, it has been classified as a Variant of Uncertain Significance.

NM_052867.4(NALCN):c.661A>G (p.Ser221Gly)

Gene: NALCN (sodium leak channel, non-selective; minus strand). Cytogenetic location: 13q33.1.
Variant type: single nucleotide variant.
Coding change: c.661A>G on transcript NM_052867.4 (MANE Select); coding-DNA position 661, A replaced by G.
Protein change: p.Ser221Gly; replaces serine 221 with glycine.
Molecular consequence: missense variant.
Genome position (GRCh38, 1-based): chr13:101,345,404, T>C on the plus strand (A>G on the coding strand, the complement: NALCN is on the minus strand). VCF-style: chr13-101345404-T-C. GRCh37 (hg19) VCF-style: chr13-101997755-T-C.
Other names: c.661A>G, p.Ser221Gly (NM_001350748.2, NM_001350749.2, NM_001350750.2 and 1 more transcripts); short protein forms S221G.
Identifiers: ClinVar variation 2862232 (VCV002862232.3), dbSNP rs2503581532, ClinGen allele CA388707756.